The following is an entry in ClinVar:

ClinVar aggregate classification (germline): Uncertain significance (1 of 4 stars; one submission).

Conditions:
Inborn genetic diseases. Identifiers: MedGen C0950123, MeSH D030342.

Submission:

Ambry Genetics
Classification: Uncertain significance for Inborn genetic diseases. Last evaluated: 2024-09-30. Review status: criteria provided, single submitter. Criteria: Ambry Variant Classification Scheme 2023. Collection method: clinical testing. Allele origin: germline.
Comment: The p.G389R variant (also known as c.1165G>A), located in coding exon 10 of the LRRK2 gene, results from a G to A substitution at nucleotide position 1165. The glycine at codon 389 is replaced by arginine, an amino acid with dissimilar properties. This amino acid position is conserved. In addition, the in silico prediction for this alteration is inconclusive. Based on the available evidence, the clinical significance of this variant remains unclear.

NM_198578.4(LRRK2):c.1165G>A (p.Gly389Arg)

Gene: LRRK2 (leucine rich repeat kinase 2; plus strand). Cytogenetic location: 12q12.
Variant type: single nucleotide variant.
Coding change: c.1165G>A on transcript NM_198578.4 (MANE Select); coding-DNA position 1165, G replaced by A.
Protein change: p.Gly389Arg; replaces glycine 389 with arginine.
Molecular consequence: missense variant.
Genome position (GRCh38, 1-based): chr12:40,251,528, G>A. VCF-style: chr12-40251528-G-A. GRCh37 (hg19) VCF-style: chr12-40645330-G-A.
Other names: short protein forms G389R.
Identifiers: ClinVar variation 3540711 (VCV003540711.1).